The following is an entry in ClinVar:

ClinVar aggregate classification (germline): Uncertain significance (1 of 4 stars; one submission).

Submission:

Ambry Genetics
Classification: Uncertain significance. Last evaluated: 2024-04-21. Review status: criteria provided, single submitter. Criteria: Ambry Variant Classification Scheme 2023. Collection method: clinical testing. Allele origin: germline.
Comment: The p.Q91R variant (also known as c.272A>G), located in coding exon 3 of the PDLIM3 gene, results from an A to G substitution at nucleotide position 272. The glutamine at codon 91 is replaced by arginine, an amino acid with highly similar properties. This amino acid position is conserved. In addition, this alteration is predicted to be tolerated by in silico analysis. Based on the available evidence, the clinical significance of this variant remains unclear.

NM_014476.6(PDLIM3):c.272A>G (p.Gln91Arg)

Gene: PDLIM3 (PDZ and LIM domain 3; minus strand). Cytogenetic location: 4q35.1.
Variant type: single nucleotide variant.
Coding change: c.272A>G on transcript NM_014476.6 (MANE Select); coding-DNA position 272, A replaced by G.
Protein change: p.Gln91Arg; replaces glutamine 91 with arginine.
Molecular consequence: missense variant. On other transcripts: non-coding transcript variant (1), intron variant (1).
Genome position (GRCh38, 1-based): chr4:185,523,420, T>C on the plus strand (A>G on the coding strand, the complement: PDLIM3 is on the minus strand). VCF-style: chr4-185523420-T-C. GRCh37 (hg19) VCF-style: chr4-186444574-T-C.
Other names: c.272A>G, p.Gln91Arg (NM_001114107.5, NM_001257962.2); c.94-9083A>G (NM_001257963.2); short protein forms Q91R.
Identifiers: ClinVar variation 3305564 (VCV003305564.1).